The following is an entry in ClinVar:

NM_000548.5(TSC2):c.3935T>G (p.Val1312Gly)

Gene: TSC2 (TSC complex subunit 2; plus strand). Cytogenetic location: 16p13.3.
Variant type: single nucleotide variant.
Coding change: c.3935T>G on transcript NM_000548.5 (MANE Select); coding-DNA position 3935, T replaced by G.
Protein change: p.Val1312Gly; replaces valine 1312 with glycine.
Molecular consequence: missense variant.
Genome position (GRCh38, 1-based): chr16:2,083,746, T>G. VCF-style: chr16-2083746-T-G. GRCh37 (hg19) VCF-style: chr16-2133747-T-G.
Other names: c.3734T>G, p.Val1245Gly (NM_001077183.3); c.3866T>G, p.Val1289Gly (NM_001114382.3); c.3626T>G, p.Val1209Gly (NM_001318827.2); c.3590T>G, p.Val1197Gly (NM_001318829.2); c.3203T>G, p.Val1068Gly (NM_001318831.2); c.3767T>G, p.Val1256Gly (NM_001318832.2); c.3737T>G, p.Val1246Gly (NM_001363528.2); c.3803T>G, p.Val1268Gly (NM_001370404.1); and 26 more; short protein forms V1209G, V1242G, V1268G, V1269G, V1311G, V711G, V1045G, V1112G.
Identifiers: ClinVar variation 1736296 (VCV001736296.2), dbSNP rs2544232954, ClinGen allele CA394297284.

ClinVar aggregate classification (germline): Uncertain significance (1 of 4 stars; one submission).

Conditions:
Hereditary cancer-predisposing syndrome. Also called: Neoplastic Syndromes, Hereditary; Tumor predisposition; Hereditary Cancer Syndrome; Hereditary neoplastic syndrome. Identifiers: Orphanet 140162, MedGen C0027672, MeSH D009386, MONDO:0015356.

Submission:

Ambry Genetics
Classification: Uncertain significance for Hereditary cancer-predisposing syndrome. Last evaluated: 2019-09-20. Review status: criteria provided, single submitter. Criteria: Ambry Variant Classification Scheme 2023. Collection method: clinical testing. Allele origin: germline.
Comment: The p.V1312G variant (also known as c.3935T>G), located in coding exon 32 of the TSC2 gene, results from a T to G substitution at nucleotide position 3935. The valine at codon 1312 is replaced by glycine, an amino acid with dissimilar properties. This amino acid position is poorly conserved in available vertebrate species. In addition, this alteration is predicted to be tolerated by in silico analysis. Since supporting evidence is limited at this time, the clinical significance of this alteration remains unclear.